The following is an entry in ClinVar:

NM_007272.3(CTRC):c.716C>G (p.Ser239Cys)

Gene: CTRC (chymotrypsin C; plus strand). Cytogenetic location: 1p36.21.
Variant type: single nucleotide variant.
Coding change: c.716C>G on transcript NM_007272.3 (MANE Select); coding-DNA position 716, C replaced by G.
Protein change: p.Ser239Cys; replaces serine 239 with cysteine.
Molecular consequence: missense variant.
Genome position (GRCh38, 1-based): chr1:15,445,673, C>G. VCF-style: chr1-15445673-C-G. GRCh37 (hg19) VCF-style: chr1-15772168-C-G.
Other names: short protein forms S239C.
Identifiers: ClinVar variation 3720160 (VCV003720160.4).

ClinVar aggregate classification (germline): Conflicting classifications of pathogenicity. Review status: criteria provided, conflicting classifications (1 of 4 stars). 3 submissions from 3 submitters: Likely pathogenic (2); Uncertain significance (1). Last evaluated 2024-04-22.

Conditions:
CTRC-related disorder. Also called: CTRC-related condition.
Hereditary pancreatitis (PCTT). Also called: PRSS1-Related Hereditary Pancreatitis; Hereditary chronic pancreatitis. Identifiers: Orphanet 676, MedGen C0238339, MONDO:0008185, OMIM 167800.

gnomAD v4.1: 1 of 1,614,164 alleles (0.000062%); no homozygotes.

Submissions (3):

Labcorp Genetics (formerly Invitae), Labcorp
Classification: Uncertain significance for Hereditary pancreatitis. Last evaluated: 2024-04-22. Review status: criteria provided, single submitter. Criteria: Invitae Variant Classification Sherloc (09022015). Collection method: clinical testing. Allele origin: germline.
Comment: This sequence change replaces serine, which is neutral and polar, with cysteine, which is neutral and slightly polar, at codon 239 of the CTRC protein (p.Ser239Cys). This variant is not present in population databases (gnomAD no frequency). This missense change has been observed in individual(s) with chronic pancreatitis (PMID: 23135764). Advanced modeling of protein sequence and biophysical properties (such as structural, functional, and spatial information, amino acid conservation, physicochemical variation, residue mobility, and thermodynamic stability) performed at Invitae indicates that this missense variant is expected to disrupt CTRC protein function with a positive predictive value of 80%. Experimental studies have shown that this missense change affects CTRC function (PMID: 26013824). In summary, the available evidence is currently insufficient to determine the role of this variant in disease. Therefore, it has been classified as a Variant of Uncertain Significance.

ARUP Laboratories, Molecular Genetics and Genomics, ARUP Laboratories
Classification: Likely pathogenic for Hereditary pancreatitis. Last evaluated: 2024-04-05. Review status: criteria provided, single submitter. Criteria: ARUP Molecular Germline Variant Investigation Process 2024. Collection method: clinical testing. Allele origin: germline.
Comment: The CTRC c.716C>G; p.Ser239Cys variant (rs1708205861) is reported in the literature in one individual affected with chronic pancreatitis (Masamune 2013). This variant is absent from the Genome Aggregation Database (v2.1.1), indicating it is not a common polymorphism. In vitro functional analyses demonstrate deficient enzymatic activity compared to WT (Szabo 2015). Additionally, computational analyses predict that this variant is deleterious (REVEL: 0.772). Based on available information, this variant is considered to be likely pathogenic. References: Masamune A et al. Identification of novel missense CTRC variants in Japanese patients with chronic pancreatitis. Gut. 2013 Apr;62(4):653-4. PMID: 23135764. SzabÃ³ A et al. Mesotrypsin Signature Mutation in a Chymotrypsin C (CTRC) Variant Associated with Chronic Pancreatitis. J Biol Chem. 2015 Jul 10;290(28):17282-92. PMID: 26013824.

Blueprint Genetics
Classification: Likely pathogenic for CTRC-related disorders. Last evaluated: 2020-05-28. Review status: criteria provided, single submitter. Criteria: ACMG Guidelines, 2015. Collection method: clinical testing. Allele origin: germline. Affected: yes. Observed: 2 variant alleles.

Literature cited by the submitters: PubMed 23135764 (cited by Labcorp Genetics (formerly Invitae), Labcorp); PubMed 26013824 (cited by Labcorp Genetics (formerly Invitae), Labcorp).